The following is an entry in ClinVar:

ClinVar aggregate classification (germline): Uncertain significance (1 of 4 stars; one submission).

Conditions:
PLXNA3-related disorder. Also called: PLXNA3-related condition.

gnomAD v4.1: 1 of 1,197,542 alleles (0.000084%); highest among the groups gnomAD compares: Admixed American, 0.0022%; no homozygotes.

Submission:

PreventionGenetics, part of Exact Sciences
Classification: Uncertain significance for PLXNA3-related condition. Last evaluated: 2025-06-18. Review status: criteria provided, single submitter. Criteria: ACMG Guidelines, 2015. Collection method: clinical testing. Allele origin: germline.
Comment: The PLXNA3 c.603G>C variant is predicted to result in the amino acid substitution p.Gln201His. To our knowledge, this variant has not been reported in the literature. This variant is reported in 0.0037% of alleles in individuals of Latino descent in gnomAD. At this time, the clinical significance of this variant is uncertain due to the absence of conclusive functional and genetic evidence.

NM_017514.5(PLXNA3):c.603G>C (p.Gln201His)

Gene: PLXNA3 (plexin A3; plus strand). Cytogenetic location: Xq28.
Variant type: single nucleotide variant.
Coding change: c.603G>C on transcript NM_017514.5 (MANE Select); coding-DNA position 603, G replaced by C.
Protein change: p.Gln201His; replaces glutamine 201 with histidine.
Molecular consequence: missense variant.
Genome position (GRCh38, 1-based): chrX:154,461,107, G>C. VCF-style: chrX-154461107-G-C. GRCh37 (hg19) VCF-style: chrX-153689447-G-C.
Other names: short protein forms Q201H.
Identifiers: ClinVar variation 4990542 (VCV004990542.1).
Genomic context (GRCh38, chrX:154,461,107, plus strand): 5'-TGATGTTGGCACAGGGCCTCACCGGATGCTGTCTCCTCCCCCTGCTCCCCAGGTGTACCA[G>C]GATGAGTTTGTGTCCTCCCAGATCAAGATCCCCTCAGACACGCTGTCCTTGTACCCTGCC-3'
Protein context (NP_059984.3, residues 191-211): DSADMFSLVY[Gln201His]DEFVSSQIKI